The following is an entry in ClinVar:

NM_000218.3(KCNQ1):c.1514+7933G>T

Genes: KCNQ1 (potassium voltage-gated channel subfamily Q member 1; plus strand), KCNQ1OT1 (KCNQ1 opposite strand/antisense transcript 1; minus strand). Cytogenetic location: 11p15.5.
Variant type: single nucleotide variant.
Coding change: c.1514+7933G>T on transcript NM_000218.3 (MANE Select); 7933 bases into the intron after coding-DNA position 1514, G replaced by T.
Molecular consequence: intron variant.
Genome position (GRCh38, 1-based): chr11:2,670,014, G>T. VCF-style: chr11-2670014-G-T. GRCh37 (hg19) VCF-style: chr11-2691244-G-T.
Other names: c.1244+7933G>T (NM_001406837.1); c.1418+7933G>T (NM_001406836.1); c.974+7933G>T (NM_001406838.1); c.1133+7933G>T (NM_181798.2).
Identifiers: ClinVar variation 1711306 (VCV001711306.31), dbSNP rs187839576, ClinGen allele CA216177300.
Genomic context (GRCh38, chr11:2,670,014, plus strand): 5'-AAGTCTAGAGGTCCCCAAGTCACAACCTCAAATCTCGGAATGGGGTTCAGGAGCTGTTGG[G>T]GTCCCGTGGAGGTACAGGCGGAAACCTAGCACTCACTATTCTGCTCTGGGGAGGGGGTTG-3'

ClinVar aggregate classification (germline): Benign/Likely benign. Review status: criteria provided, multiple submitters, no conflicts (2 of 4 stars). 2 submissions from 2 submitters: Benign (1); Likely benign (1). Last evaluated 2026-06-01.

Allele frequency attached by ClinVar (database versions not stated): 1000 Genomes Project 30x 0.00078; 1000 Genomes Project 0.00100; TOPMed 0.00314; gnomAD 0.00342; gnomAD exomes 0.00422.
gnomAD v4.1: 1,578 of 398,658 alleles (0.4%); highest among the groups gnomAD compares: Non-Finnish European, 0.47%; 5 homozygotes.

Submissions (2):

CeGaT Center for Human Genetics Tuebingen
Classification: Likely benign. Last evaluated: 2026-06-01. Review status: criteria provided, single submitter. Criteria: CeGaT Center For Human Genetics Tuebingen Variant Classification Criteria Version 2. Collection method: clinical testing. Allele origin: germline. Affected: yes. Observed: 38 variant alleles.
Comment: KCNQ1OT1: BS2

Blueprint Genetics
Classification: Benign. Last evaluated: 2024-11-22. Review status: criteria provided, single submitter. Criteria: ACMG Guidelines, 2015. Collection method: clinical testing. Allele origin: germline.